The following is an entry in ClinVar:

ClinVar aggregate classification (germline): Pathogenic. Review status: criteria provided, multiple submitters, no conflicts (2 of 4 stars). 3 submissions from 3 submitters: Pathogenic (3). Last evaluated 2025-01-15.

Conditions:
Familial adenomatous polyposis 1 (FAP1). Also called: POLYPOSIS, ADENOMATOUS INTESTINAL; FAMILIAL ADENOMATOUS POLYPOSIS 1, ATTENUATED. Identifiers: MedGen C2713442, MONDO:0021056, OMIM 175100. Disease mechanism: loss of function.
Hereditary cancer-predisposing syndrome. Also called: Neoplastic Syndromes, Hereditary; Tumor predisposition; Hereditary Cancer Syndrome; Hereditary neoplastic syndrome. Identifiers: Orphanet 140162, MedGen C0027672, MeSH D009386, MONDO:0015356.

Submissions (3):

Labcorp Genetics (formerly Invitae), Labcorp
Classification: Pathogenic for Familial adenomatous polyposis 1. Last evaluated: 2025-01-15. Review status: criteria provided, single submitter. Criteria: Invitae Variant Classification Sherloc (09022015). Collection method: clinical testing. Allele origin: germline.
Comment: This sequence change creates a premature translational stop signal (p.Ser1421Valfs*52) in the APC gene. While this is not anticipated to result in nonsense mediated decay, it is expected to disrupt the last 1423 amino acid(s) of the APC protein. This variant is not present in population databases (gnomAD no frequency). This variant has not been reported in the literature in individuals affected with APC-related conditions. ClinVar contains an entry for this variant (Variation ID: 640284). This variant is expected to disrupt the EB1 and HDLG binding sites, which mediate interactions with the cytoskeleton (PMID: 15311282, 17293347). While functional studies have not been performed to directly test the effect on APC protein function, this suggests that disruption of the C-terminal portion of the protein is functionally important. A different truncation (p.Tyr2645Lysfs*14) that lies downstream of this variant has been determined to be pathogenic (PMID: 9824584, 1316610, 27081525, 8381579, 22135120, internal data). This suggests that deletion of this region of the APC protein is causative of disease. For these reasons, this variant has been classified as Pathogenic.

Myriad Genetics, Inc.
Classification: Pathogenic for Familial adenomatous polyposis 1. Last evaluated: 2023-05-10. Review status: criteria provided, single submitter. Criteria: Myriad Autosomal Dominant, Autosomal Recessive and X-Linked Classification Criteria (2023). Collection method: clinical testing. Allele origin: unknown.
Comment: This variant is considered pathogenic. This variant creates a frameshift predicted to result in premature protein truncation.

Ambry Genetics
Classification: Pathogenic for Hereditary cancer-predisposing syndrome. Last evaluated: 2022-04-19. Review status: criteria provided, single submitter. Criteria: Ambry Variant Classification Scheme 2023. Collection method: clinical testing. Allele origin: germline.
Comment: The c.4260delC pathogenic mutation, located in coding exon 15 of the APC gene, results from a deletion of one nucleotide at nucleotide position 4260, causing a translational frameshift with a predicted alternate stop codon (p.S1421Vfs*52). This alteration occurs at the 3' terminus of theAPC gene, is not expected to trigger nonsense-mediated mRNA decay, and only impacts the last 1423 amino acids of the protein. However, premature stop codons are typically deleterious in nature and the impacted region is critical for protein function and a significant portion of the protein is affected (Ambry internal data). This alteration has been observed in at least one individual with a personal and/or family history that is consistent with APC-related disease (Ambry internal data). Other truncating alterations downstream have been observed in individuals with a personal and/or family history that is consistent with APC-related disease (Ambry internal data). Based on the supporting evidence, this alteration is interpreted as a disease-causing mutation.

Literature cited by the submitters: PubMed 15311282 (cited by Labcorp Genetics (formerly Invitae), Labcorp); PubMed 17293347 (cited by Labcorp Genetics (formerly Invitae), Labcorp); PubMed 9824584 (cited by Labcorp Genetics (formerly Invitae), Labcorp); PubMed 1316610 (cited by Labcorp Genetics (formerly Invitae), Labcorp); PubMed 27081525 (cited by Labcorp Genetics (formerly Invitae), Labcorp); PubMed 8381579 (cited by Labcorp Genetics (formerly Invitae), Labcorp); PubMed 22135120 (cited by Labcorp Genetics (formerly Invitae), Labcorp).

NM_000038.6(APC):c.4260del (p.Ser1421fs)

Gene: APC (APC regulator of Wnt signaling pathway; plus strand). Cytogenetic location: 5q22.2.
Variant type: Deletion.
Coding change: c.4260del on transcript NM_000038.6 (MANE Select); coding-DNA position 4260, one base deleted (C; older notation c.4260delC).
Protein change: p.Ser1421fs; shifts the reading frame from serine 1421.
Molecular consequence: frameshift variant.
Genome position (GRCh38, 1-based): chr5:112,839,854, C deleted; the last of 4 consecutive C bases (chr5:112,839,851-112,839,854); deleting any one gives the same sequence. VCF-style (leftmost placement, unchanged base first): chr5-112839850-GC-G. GRCh37 (hg19) VCF-style: chr5-112175547-GC-G.
Other names: c.4260del, p.Ser1421fs (NM_001127510.3, NM_001354895.2); c.4206del, p.Ser1403fs (NM_001127511.3); c.4314del, p.Ser1439fs (NM_001354896.2); c.4290del, p.Ser1431fs (NM_001354897.2); c.4185del, p.Ser1396fs (NM_001354898.2); c.4176del, p.Ser1393fs (NM_001354899.2); c.4137del, p.Ser1380fs (NM_001354900.2); c.4083del, p.Ser1362fs (NM_001354901.2); and 5 more; short protein forms S1393fs, S1431fs, S1439fs, S1362fs, S1380fs, S1396fs, S1403fs, S1138fs.
Identifiers: ClinVar variation 640284 (VCV000640284.13), dbSNP rs1554085679, ClinGen allele CA445964254.